The following is an entry in ClinVar:

NM_000094.4(COL7A1):c.5199G>T (p.Lys1733Asn)

Gene: COL7A1 (collagen type VII alpha 1 chain; minus strand). Cytogenetic location: 3p21.31.
Variant type: single nucleotide variant.
Coding change: c.5199G>T on transcript NM_000094.4 (MANE Select); coding-DNA position 5199, G replaced by T.
Protein change: p.Lys1733Asn; replaces lysine 1733 with asparagine.
Molecular consequence: missense variant.
Genome position (GRCh38, 1-based): chr3:48,579,624, C>A on the plus strand (G>T on the coding strand, the complement: COL7A1 is on the minus strand). VCF-style: chr3-48579624-C-A. GRCh37 (hg19) VCF-style: chr3-48617057-C-A.
Other names: short protein forms K1733N.
Identifiers: ClinVar variation 3017859 (VCV003017859.3), dbSNP rs2044586799, ClinGen allele CA352677407.
Genomic context (GRCh38, chr3:48,579,624, plus strand): 5'-CCCCCGAGGACCAATCACACTCACCCTTTCCCCAGGGGCTCCAGGGAGGCCAGGATCACC[C>A]TTGGGCCCTCGAGGACCCTCTTGTCCGCGGTCCCCAGGCTCTCCCTGTGGCAGAGATAAG-3'
Protein context (NP_000085.1, residues 1723-1743): DRGQEGPRGP[Lys1733Asn]GDPGLPGAPG

ClinVar aggregate classification (germline): Uncertain significance (1 of 4 stars; one submission).

Allele frequency attached by ClinVar (database versions not stated): gnomAD exomes below 0.00001.
gnomAD v4.1: 3 of 1,613,790 alleles (0.00019%); highest among the groups gnomAD compares: Non-Finnish European, 0.00025%; no homozygotes.

Submission:

Labcorp Genetics (formerly Invitae), Labcorp
Classification: Uncertain significance. Last evaluated: 2023-05-23. Review status: criteria provided, single submitter. Criteria: Invitae Variant Classification Sherloc (09022015). Collection method: clinical testing. Allele origin: germline.
Comment: In summary, the available evidence is currently insufficient to determine the role of this variant in disease. Therefore, it has been classified as a Variant of Uncertain Significance. Advanced modeling of protein sequence and biophysical properties (such as structural, functional, and spatial information, amino acid conservation, physicochemical variation, residue mobility, and thermodynamic stability) has been performed at Invitae for this missense variant, however the output from this modeling did not meet the statistical confidence thresholds required to predict the impact of this variant on COL7A1 protein function. This variant has not been reported in the literature in individuals affected with COL7A1-related conditions. This variant is not present in population databases (gnomAD no frequency). This sequence change replaces lysine, which is basic and polar, with asparagine, which is neutral and polar, at codon 1733 of the COL7A1 protein (p.Lys1733Asn).